The following is an entry in ClinVar:

NM_198576.4(AGRN):c.3353C>A (p.Thr1118Lys)

Gene: AGRN (agrin; plus strand). Cytogenetic location: 1p36.33.
Variant type: single nucleotide variant.
Coding change: c.3353C>A on transcript NM_198576.4 (MANE Select); coding-DNA position 3353, C replaced by A.
Protein change: p.Thr1118Lys; replaces threonine 1118 with lysine.
Molecular consequence: missense variant.
Genome position (GRCh38, 1-based): chr1:1,046,922, C>A. VCF-style: chr1-1046922-C-A. GRCh37 (hg19) VCF-style: chr1-982302-C-A.
Other names: p.Thr1118Lys; c.3353C>A, p.Thr1118Lys (NM_001305275.2); c.3038C>A, p.Thr1013Lys (NM_001364727.2); short protein forms T1118K, T1013K.
Identifiers: ClinVar variation 474116 (VCV000474116.17), dbSNP rs149159118, ClinGen allele CA509025.
Genomic context (GRCh38, chr1:1,046,922, plus strand): 5'-CACCTGTCGAGAGGGCTTCCTGCTACAACTCCGCGTTGGGCTGCTGCTCTGATGGGAAGA[C>A]GCCCTCGCTGGACGCAGAGGGCTCCAACTGCCCCGGTGAGTGGACGGCTGGGCGAGGGGA-3'
Protein context (NP_940978.2, residues 1108-1128): SALGCCSDGK[Thr1118Lys]PSLDAEGSNC

ClinVar aggregate classification (germline): Conflicting classifications of pathogenicity. Review status: criteria provided, conflicting classifications (1 of 4 stars). 3 submissions from 3 submitters: Uncertain significance (2); Benign (1). Last evaluated 2026-01-25.

Conditions:
Congenital myasthenic syndrome 8. Also called: MYASTHENIC SYNDROME, CONGENITAL, DUE TO AGRIN DEFICIENCY; Myasthenic syndrome, congenital, 8, with pre- and postsynaptic defects. Identifiers: Orphanet 590, MedGen C3808739, MONDO:0014052, OMIM 615120.

Allele frequency attached by ClinVar (database versions not stated): 1000 Genomes Project 30x 0.00094; 1000 Genomes Project 0.00100; TOPMed 0.00100; ESP Exome Variant Server 0.00116; gnomAD 0.00204; ExAC 0.00215.
gnomAD v4.1: 3,103 of 1,579,524 alleles (0.2%); highest among the groups gnomAD compares: Non-Finnish European, 0.21%; 2 homozygotes.

Submissions (3):

Labcorp Genetics (formerly Invitae), Labcorp
Classification: Benign for Congenital myasthenic syndrome 8. Last evaluated: 2026-01-25. Review status: criteria provided, single submitter. Criteria: Invitae Variant Classification Sherloc (09022015). Collection method: clinical testing. Allele origin: germline.

Mayo Clinic Laboratories, Mayo Clinic
Classification: Uncertain significance. Last evaluated: 2025-06-24. Review status: criteria provided, single submitter. Criteria: ACMG Guidelines, 2015. Collection method: clinical testing. Allele origin: germline. Observed: 3 variant alleles.
Comment: BS1

GeneDx
Classification: Uncertain significance. Last evaluated: 2021-06-09. Review status: criteria provided, single submitter. Criteria: GeneDx Variant Classification Process June 2021. Collection method: clinical testing. Allele origin: germline. Affected: yes.
Comment: In silico analysis supports that this missense variant has a deleterious effect on protein structure/function; Has not been previously published as pathogenic or benign to our knowledge; This variant is associated with the following publications: (PMID: 24951643, 26290588)

Literature cited by the submitters: PubMed 31395899 (cited by Mayo Clinic Laboratories, Mayo Clinic).